The following is an entry in ClinVar:

ClinVar aggregate classification (germline): Uncertain significance (1 of 4 stars; one submission).

Conditions:
Perlman syndrome (PRLMNS). Identifiers: Orphanet 2849, MedGen C0796113, MONDO:0009965, OMIM 267000.

Allele frequency attached by ClinVar (database versions not stated): gnomAD exomes below 0.00001.
gnomAD v4.1: 7 of 1,550,542 alleles (0.00045%); highest among the groups gnomAD compares: Non-Finnish European, 0.00052%; no homozygotes.

Submission:

Labcorp Genetics (formerly Invitae), Labcorp
Classification: Uncertain significance for Perlman syndrome. Last evaluated: 2022-09-01. Review status: criteria provided, single submitter. Criteria: Invitae Variant Classification Sherloc (09022015). Collection method: clinical testing. Allele origin: germline.
Comment: This sequence change replaces serine, which is neutral and polar, with phenylalanine, which is neutral and non-polar, at codon 804 of the DIS3L2 protein (p.Ser804Phe). This variant is not present in population databases (gnomAD no frequency). In summary, the available evidence is currently insufficient to determine the role of this variant in disease. Therefore, it has been classified as a Variant of Uncertain Significance. Algorithms developed to predict the effect of missense changes on protein structure and function are either unavailable or do not agree on the potential impact of this missense change (SIFT: "Deleterious"; PolyPhen-2: "Benign"; Align-GVGD: "Class C0"). ClinVar contains an entry for this variant (Variation ID: 1474875). This variant has not been reported in the literature in individuals affected with DIS3L2-related conditions.

NM_152383.5(DIS3L2):c.2411C>T (p.Ser804Phe)

Gene: DIS3L2 (DIS3 like 3'-5' exoribonuclease 2; plus strand). Cytogenetic location: 2q37.1.
Variant type: single nucleotide variant.
Coding change: c.2411C>T on transcript NM_152383.5 (MANE Select); coding-DNA position 2411, C replaced by T.
Protein change: p.Ser804Phe; replaces serine 804 with phenylalanine.
Molecular consequence: missense variant. On other transcripts: non-coding transcript variant (2), intron variant (1).
Genome position (GRCh38, 1-based): chr2:232,335,789, C>T. VCF-style: chr2-232335789-C-T. GRCh37 (hg19) VCF-style: chr2-233200499-C-T.
Other names: c.1582-7556C>T (NM_001257281.2); short protein forms S804F.
Identifiers: ClinVar variation 1474875 (VCV001474875.6), dbSNP rs2106356264, ClinGen allele CA350978167.